The following is an entry in ClinVar:

ClinVar aggregate classification (germline): Uncertain significance (1 of 4 stars; one submission).

Conditions:
Hemolytic anemia due to hexokinase deficiency (CNSHA5). Also called: HEMOLYTIC ANEMIA, NONSPHEROCYTIC, DUE TO HEXOKINASE DEFICIENCY; Hexokinase deficiency hemolytic anemia; ANEMIA, CONGENITAL, NONSPHEROCYTIC HEMOLYTIC, 5; Non-spherocytic hemolytic anemia due to hexokinase deficiency. Identifiers: Orphanet 90031, MedGen C3150343, MONDO:0009340, OMIM 235700.

Submission:

Institute of Human Genetics, University of Leipzig Medical Center
Classification: Uncertain significance for Hemolytic anemia due to hexokinase deficiency. Last evaluated: 2024-06-03. Review status: criteria provided, single submitter. Criteria: ACMG Guidelines, 2015. Collection method: clinical testing. Allele origin: unknown. Inheritance: Autosomal recessive inheritance. Affected: yes.
Comment: Criteria applied: PM2,PP3

NM_000188.3(HK1):c.2498T>C (p.Leu833Pro)

Gene: HK1 (hexokinase 1; plus strand). Cytogenetic location: 10q22.1.
Variant type: single nucleotide variant.
Coding change: c.2498T>C on transcript NM_000188.3 (MANE Select); coding-DNA position 2498, T replaced by C.
Protein change: p.Leu833Pro; replaces leucine 833 with proline.
Molecular consequence: missense variant.
Genome position (GRCh38, 1-based): chr10:69,398,717, T>C. VCF-style: chr10-69398717-T-C. GRCh37 (hg19) VCF-style: chr10-71158473-T-C.
Other names: c.2402T>C, p.Leu801Pro (NM_001322367.1); c.2510T>C, p.Leu837Pro (NM_001358263.1, NM_033497.3, NM_033498.3 and 1 more transcripts); c.2495T>C, p.Leu832Pro (NM_033496.3); c.2462T>C, p.Leu821Pro (NM_033500.2); c.2603T>C, p.Leu868Pro (NM_001322365.2); c.2414T>C, p.Leu805Pro (NM_001322366.1); short protein forms L801P, L805P, L821P, L832P, L833P, L837P, L868P.
Identifiers: ClinVar variation 3359004 (VCV003359004.2).
Genomic context (GRCh38, chr10:69,398,717, plus strand): 5'-GCGATGACAGTATCCTCGTCAAGACAGTGTGCGGGGTGGTGTCCAGGAGGGCCGCACAGC[T>C]GTGTGGCGCAGGCATGGCTGCGGTTGTGGATAAGATCCGCGAGAACAGAGGACTGGACCG-3'
Protein context (NP_000179.2, residues 823-843): CGVVSRRAAQ[Leu833Pro]CGAGMAAVVD